The following is an entry in ClinVar:

ClinVar aggregate classification (germline): Conflicting classifications of pathogenicity. Review status: criteria provided, conflicting classifications (1 of 4 stars). 2 submissions from 2 submitters: Likely pathogenic (1); Uncertain significance (1). Last evaluated 2026-05-01.

Conditions:
Autosomal recessive limb-girdle muscular dystrophy type 2Y (MRRSDC). Also called: Muscular dystrophy, limb-girdle, type 2y; Muscular dystrophy, autosomal recessive, with rigid spine and distal joint contractures. Identifiers: Orphanet 424261, MedGen C4511482, MONDO:0014900, OMIM 617072.

Allele frequency attached by ClinVar (database versions not stated): ExAC 0.00001.

Submissions (2):

CeGaT Center for Human Genetics Tuebingen
Classification: Uncertain significance. Last evaluated: 2026-05-01. Review status: criteria provided, single submitter. Criteria: CeGaT Center For Human Genetics Tuebingen Variant Classification Criteria Version 2. Collection method: clinical testing. Allele origin: germline. Affected: yes. Observed: 1 variant allele.
Comment: TOR1AIP1: PM2

Labcorp Genetics (formerly Invitae), Labcorp
Classification: Likely pathogenic for Autosomal recessive limb-girdle muscular dystrophy type 2Y. Last evaluated: 2022-08-09. Review status: criteria provided, single submitter. Criteria: Invitae Variant Classification Sherloc (09022015). Collection method: clinical testing. Allele origin: germline.
Comment: The frequency data for this variant in the population databases is considered unreliable, as metrics indicate poor data quality at this position in the gnomAD database. In summary, the currently available evidence indicates that the variant is pathogenic, but additional data are needed to prove that conclusively. Therefore, this variant has been classified as Likely Pathogenic. Algorithms developed to predict the effect of sequence changes on RNA splicing suggest that this variant may disrupt the consensus splice site. This variant has not been reported in the literature in individuals affected with TOR1AIP1-related conditions. This sequence change affects a donor splice site in intron 7 of the TOR1AIP1 gene. It is expected to disrupt RNA splicing. Variants that disrupt the donor or acceptor splice site typically lead to a loss of protein function (PMID: 16199547), and loss-of-function variants in TOR1AIP1 are known to be pathogenic (PMID: 24856141, 27342937).

Literature cited by the submitters: PubMed 16199547 (cited by Labcorp Genetics (formerly Invitae), Labcorp); PubMed 24856141 (cited by Labcorp Genetics (formerly Invitae), Labcorp); PubMed 27342937 (cited by Labcorp Genetics (formerly Invitae), Labcorp).

NM_015602.4(TOR1AIP1):c.838+2T>A

Gene: TOR1AIP1 (torsin 1A interacting protein 1; plus strand). Cytogenetic location: 1q25.2.
Variant type: single nucleotide variant.
Coding change: c.838+2T>A on transcript NM_015602.4 (MANE Select); the canonical splice donor site of the intron after coding-DNA position 838, T replaced by A.
Molecular consequence: splice donor variant.
Genome position (GRCh38, 1-based): chr1:179,907,866, T>A. VCF-style: chr1-179907866-T-A. GRCh37 (hg19) VCF-style: chr1-179877001-T-A.
Other names: c.841+2T>A (NM_001267578.2).
Identifiers: ClinVar variation 2083769 (VCV002083769.6), dbSNP rs771280075, ClinGen allele CA1268970.